The following is an entry in ClinVar:

NM_002890.3(RASA1):c.1777-16A>T

Genes: CCNH (cyclin H; minus strand), RASA1 (RAS p21 protein activator 1; plus strand). Cytogenetic location: 5q14.3.
Variant type: single nucleotide variant.
Coding change: c.1777-16A>T on transcript NM_002890.3 (MANE Select); 16 bases into the intron before coding-DNA position 1777, A replaced by T.
Molecular consequence: intron variant.
Genome position (GRCh38, 1-based): chr5:87,374,147, A>T. VCF-style: chr5-87374147-A-T. GRCh37 (hg19) VCF-style: chr5-86669964-A-T.
Other names: c.1246-16A>T (NM_022650.3); c.933+20897T>A (NM_001364075.2).
Identifiers: ClinVar variation 378887 (VCV000378887.10), dbSNP rs75512926, ClinGen allele CA3335854.
Genomic context (GRCh38, chr5:87,374,147, plus strand): 5'-GAGTAATTGCTTTTGAAATGTAGTGCAATTCTAGAAATCTGGGGTAATATATATATATAT[A>T]TTTTTTTTTTTTTAGGTCAGCAGCCTTGTTTTACATATTGAAGAAGCCCATAAACTCCCA-3'

ClinVar aggregate classification (germline): Benign. Review status: criteria provided, multiple submitters, no conflicts (2 of 4 stars). 3 submissions from 3 submitters: Benign (3). Last evaluated 2026-02-03.

Conditions:
Capillary malformation-arteriovenous malformation syndrome. Also called: Capillary malformation-arteriovenous malformation. Identifiers: Orphanet 137667, MedGen C1842180, MONDO:0012016.

Allele frequency attached by ClinVar (database versions not stated): ExAC 0.01099; gnomAD 0.02282 and 0.02314; TOPMed 0.03019; gnomAD exomes 0.01824.
gnomAD v4.1: 10,305 of 1,004,498 alleles (1%); highest among the groups gnomAD compares: Admixed American, 6.9%; 100 homozygotes.

Submissions (3):

Labcorp Genetics (formerly Invitae), Labcorp
Classification: Benign for Capillary malformation-arteriovenous malformation syndrome. Last evaluated: 2026-02-03. Review status: criteria provided, single submitter. Criteria: Invitae Variant Classification Sherloc (09022015). Collection method: clinical testing. Allele origin: germline.

Blueprint Genetics
Classification: Benign. Last evaluated: 2024-11-26. Review status: criteria provided, single submitter. Criteria: ACMG Guidelines, 2015. Collection method: clinical testing. Allele origin: germline.

GeneDx
Classification: Benign. Last evaluated: 2015-08-13. Review status: criteria provided, single submitter. Criteria: GeneDx Variant Classification (06012015). Collection method: clinical testing. Allele origin: germline. Affected: yes.
Comment: This variant is considered likely benign or benign based on one or more of the following criteria: it is a conservative change, it occurs at a poorly conserved position in the protein, it is predicted to be benign by multiple in silico algorithms, and/or has population frequency not consistent with disease.